The following is an entry in ClinVar:

ClinVar aggregate classification (germline): Uncertain significance (1 of 4 stars; one submission).

Conditions:
Hereditary cancer-predisposing syndrome. Also called: Tumor predisposition; Hereditary Cancer Syndrome; Hereditary neoplastic syndrome; Neoplastic Syndromes, Hereditary. Identifiers: Orphanet 140162, MedGen C0027672, MeSH D009386, MONDO:0015356.

Submission:

Ambry Genetics
Classification: Uncertain significance for Hereditary cancer-predisposing syndrome. Last evaluated: 2023-02-15. Review status: criteria provided, single submitter. Criteria: Ambry Variant Classification Scheme 2023. Collection method: clinical testing. Allele origin: germline.
Comment: The p.E2362K variant (also known as c.7084G>A), located in coding exon 47 of the ATM gene, results from a G to A substitution at nucleotide position 7084. The glutamic acid at codon 2362 is replaced by lysine, an amino acid with similar properties. This amino acid position is conserved. In addition, this alteration is predicted to be deleterious by in silico analysis. Since supporting evidence is limited at this time, the clinical significance of this alteration remains unclear.

NM_000051.4(ATM):c.7084G>A (p.Glu2362Lys)

Genes: ATM (ATM serine/threonine kinase; plus strand), C11orf65 (chromosome 11 open reading frame 65; minus strand). Cytogenetic location: 11q22.3.
Variant type: single nucleotide variant.
Coding change: c.7084G>A on transcript NM_000051.4 (MANE Select); coding-DNA position 7084, G replaced by A.
Protein change: p.Glu2362Lys; replaces glutamic acid 2362 with lysine.
Molecular consequence: missense variant. On other transcripts: intron variant (2).
Genome position (GRCh38, 1-based): chr11:108,327,753, G>A. VCF-style: chr11-108327753-G-A. GRCh37 (hg19) VCF-style: chr11-108198480-G-A.
Other names: c.7084G>A, p.Glu2362Lys (NM_001351834.2); c.641-18682C>T (NM_001330368.2); c.*38+7467C>T (NM_001351110.2); short protein forms E2362K.
Identifiers: ClinVar variation 2453978 (VCV002453978.2), dbSNP rs2136379535, ClinGen allele CA382559185.